The following is an entry in ClinVar:

ClinVar aggregate classification (germline): Uncertain significance (1 of 4 stars; one submission).

Conditions:
Renal cell carcinoma. Identifiers: Orphanet 217071, MedGen C0007134, MeSH D002292, MONDO:0005086, HP:0005584.

Submission:

Labcorp Genetics (formerly Invitae), Labcorp
Classification: Uncertain significance for Renal cell carcinoma. Last evaluated: 2023-11-01. Review status: criteria provided, single submitter. Criteria: Invitae Variant Classification Sherloc (09022015). Collection method: clinical testing. Allele origin: germline.
Comment: This sequence change replaces threonine, which is neutral and polar, with isoleucine, which is neutral and non-polar, at codon 582 of the MET protein (p.Thr582Ile). This variant is not present in population databases (gnomAD no frequency). This variant has not been reported in the literature in individuals affected with MET-related conditions. Advanced modeling of protein sequence and biophysical properties (such as structural, functional, and spatial information, amino acid conservation, physicochemical variation, residue mobility, and thermodynamic stability) performed at Invitae indicates that this missense variant is not expected to disrupt MET protein function with a negative predictive value of 80%. In summary, the available evidence is currently insufficient to determine the role of this variant in disease. Therefore, it has been classified as a Variant of Uncertain Significance.

NM_000245.4(MET):c.1745C>T (p.Thr582Ile)

Gene: MET (MET proto-oncogene, receptor tyrosine kinase; plus strand). Cytogenetic location: 7q31.2.
Variant type: single nucleotide variant.
Coding change: c.1745C>T on transcript NM_000245.4 (MANE Select); coding-DNA position 1745, C replaced by T.
Protein change: p.Thr582Ile; replaces threonine 582 with isoleucine.
Molecular consequence: missense variant.
Genome position (GRCh38, 1-based): chr7:116,755,398, C>T. VCF-style: chr7-116755398-C-T. GRCh37 (hg19) VCF-style: chr7-116395452-C-T.
Other names: c.1745C>T, p.Thr582Ile (NM_001127500.3, NM_001324401.3); c.455C>T, p.Thr152Ile (NM_001324402.2); short protein forms T582I, T152I.
Identifiers: ClinVar variation 2763360 (VCV002763360.3), dbSNP rs2116909287, ClinGen allele CA368977692.